The following is an entry in ClinVar:

ClinVar aggregate classification (germline): Likely benign. Review status: criteria provided, multiple submitters, no conflicts (2 of 4 stars). 2 submissions from 2 submitters: Likely benign (2). Last evaluated 2018-10-17.

Conditions:
Cardiomyopathy (CMYO). Also called: Cardiomyopathies. Identifiers: Orphanet 167848, MedGen C0878544, MONDO:0004994, HP:0001638. Inheritance: Various modes of inheritance.

Allele frequency attached by ClinVar (database versions not stated): gnomAD exomes below 0.00001.
gnomAD v4.1: 6 of 1,613,946 alleles (0.00037%); highest among the groups gnomAD compares: Middle Eastern, 0.033%; no homozygotes.

Submissions (2):

Color Diagnostics, LLC DBA Color Health
Classification: Likely benign for Cardiomyopathy. Last evaluated: 2018-10-17. Review status: criteria provided, single submitter. Criteria: ACMG Guidelines, 2015. Collection method: clinical testing. Allele origin: germline.

Laboratory for Molecular Medicine, Mass General Brigham Personalized Medicine
Classification: Likely benign. Last evaluated: 2016-10-07. Review status: criteria provided, single submitter. Criteria: LMM Criteria. Collection method: clinical testing. Allele origin: germline. Observed: 1 variant allele.
Comment: p.Val1465Val in exon 33 of RYR2: This variant is not expected to have clinical s ignificance because it does not alter an amino acid residue and is not located w ithin the splice consensus sequence. It was absent from large population studies .

NM_001035.3(RYR2):c.4395A>C (p.Val1465=)

Gene: RYR2 (ryanodine receptor 2; plus strand). Cytogenetic location: 1q43.
Variant type: single nucleotide variant.
Coding change: c.4395A>C on transcript NM_001035.3 (MANE Select); coding-DNA position 4395, A replaced by C.
Protein change: p.Val1465=; no amino-acid change (valine 1465 retained).
Molecular consequence: synonymous variant.
Genome position (GRCh38, 1-based): chr1:237,593,595, A>C. VCF-style: chr1-237593595-A-C. GRCh37 (hg19) VCF-style: chr1-237756895-A-C.
Identifiers: ClinVar variation 505357 (VCV000505357.7), dbSNP rs1308165341, ClinGen allele CA423820199.